The following is an entry in ClinVar:

NM_016553.5(NUP62):c.1519G>A (p.Glu507Lys)

Genes: IL4I1 (interleukin 4 induced 1; minus strand), NUP62 (nucleoporin 62; minus strand). Cytogenetic location: 19q13.33.
Variant type: single nucleotide variant.
Coding change: c.1519G>A on transcript NM_016553.5 (MANE Select); coding-DNA position 1519, G replaced by A.
Protein change: p.Glu507Lys; replaces glutamic acid 507 with lysine.
Molecular consequence: missense variant. On other transcripts: intron variant (3).
Genome position (GRCh38, 1-based): chr19:49,908,289, C>T on the plus strand (G>A on the coding strand, the complement: NUP62 is on the minus strand). VCF-style: chr19-49908289-C-T. GRCh37 (hg19) VCF-style: chr19-50411546-C-T.
Other names: c.1519G>A, p.Glu507Lys (NM_001193357.2, NM_012346.5, NM_153718.4 and 1 more transcripts); c.-227-3968G>A (NM_001258017.2, NM_172374.3); c.-285-3968G>A (NM_001258018.2); short protein forms E507K.
Identifiers: ClinVar variation 3701333 (VCV003701333.2).

ClinVar aggregate classification (germline): Uncertain significance (1 of 4 stars; one submission).

gnomAD v4.1: 8 of 1,613,874 alleles (0.0005%); highest among the groups gnomAD compares: Admixed American, 0.0017%; no homozygotes.

Submission:

Labcorp Genetics (formerly Invitae), Labcorp
Classification: Uncertain significance. Last evaluated: 2024-05-14. Review status: criteria provided, single submitter. Criteria: Invitae Variant Classification Sherloc (09022015). Collection method: clinical testing. Allele origin: germline.
Comment: This sequence change replaces glutamic acid, which is acidic and polar, with lysine, which is basic and polar, at codon 507 of the NUP62 protein (p.Glu507Lys). This variant is present in population databases (no rsID available, gnomAD 0.003%). This variant has not been reported in the literature in individuals affected with NUP62-related conditions. An algorithm developed to predict the effect of missense changes on protein structure and function (PolyPhen-2) suggests that this variant is likely to be tolerated. In summary, the available evidence is currently insufficient to determine the role of this variant in disease. Therefore, it has been classified as a Variant of Uncertain Significance.